The following is an entry in ClinVar:

NM_005797.4(MPZL2):c.423C>T (p.Ser141=)

Gene: MPZL2 (myelin protein zero like 2; minus strand). Cytogenetic location: 11q23.3.
Variant type: single nucleotide variant.
Coding change: c.423C>T on transcript NM_005797.4 (MANE Select); coding-DNA position 423, C replaced by T.
Protein change: p.Ser141=; no amino-acid change (serine 141 retained).
Molecular consequence: synonymous variant.
Genome position (GRCh38, 1-based): chr11:118,262,451, G>A on the plus strand (C>T on the coding strand, the complement: MPZL2 is on the minus strand). VCF-style: chr11-118262451-G-A. GRCh37 (hg19) VCF-style: chr11-118133166-G-A.
Other names: c.423C>T, p.Ser141= (NM_144765.3).
Identifiers: ClinVar variation 3048028 (VCV003048028.3), dbSNP rs370925743, ClinGen allele CA6301365.

ClinVar aggregate classification (germline): Likely benign. Review status: criteria provided, single submitter (1 of 4 stars). 2 submissions from 2 submitters: Likely benign (1). 1 of the submissions does not count toward it. Last evaluated 2024-09-19.

Conditions:
MPZL2-related disorder. Also called: MPZL2-related condition.

Allele frequency attached by ClinVar (database versions not stated): ESP Exome Variant Server 0.00008; ExAC 0.00010; TOPMed 0.00013; gnomAD 0.00019.

Submissions (2):

Blueprint Genetics
Classification: Likely benign. Last evaluated: 2024-09-19. Review status: criteria provided, single submitter. Criteria: ACMG Guidelines, 2015. Collection method: clinical testing. Allele origin: germline.

PreventionGenetics, part of Exact Sciences
Classification: Likely benign for MPZL2-related condition. Last evaluated: 2019-12-16. Review status: no assertion criteria provided. Collection method: clinical testing. Allele origin: germline. Not counted in ClinVar's aggregate classification.
Comment: This variant is classified as likely benign based on ACMG/AMP sequence variant interpretation guidelines (Richards et al. 2015 PMID: 25741868, with internal and published modifications).